The following is an entry in ClinVar:

NM_021096.4(CACNA1I):c.664A>T (p.Ile222Phe)

Gene: CACNA1I (calcium voltage-gated channel subunit alpha1 I; plus strand). Cytogenetic location: 22q13.1.
Variant type: single nucleotide variant.
Coding change: c.664A>T on transcript NM_021096.4 (MANE Select); coding-DNA position 664, A replaced by T.
Protein change: p.Ile222Phe; replaces isoleucine 222 with phenylalanine.
Molecular consequence: missense variant.
Genome position (GRCh38, 1-based): chr22:39,634,648, A>T. VCF-style: chr22-39634648-A-T. GRCh37 (hg19) VCF-style: chr22-40030653-A-T.
Other names: c.664A>T, p.Ile222Phe (NM_001003406.2); short protein forms I222F.
Identifiers: ClinVar variation 3365739 (VCV003365739.2).

ClinVar aggregate classification (germline): Uncertain significance (1 of 4 stars; one submission).

gnomAD v4.1: 2 of 1,613,692 alleles (0.00012%); highest among the groups gnomAD compares: African/African-American, 0.0027%; no homozygotes.

Submission:

GeneDx
Classification: Uncertain significance. Last evaluated: 2026-05-12. Review status: criteria provided, single submitter. Criteria: GeneDx Variant Classification Process June 2021. Collection method: clinical testing. Allele origin: germline.
Comment: Not observed at significant frequency in large population cohorts (gnomAD); In silico analysis supports that this missense variant has a deleterious effect on protein structure/function; Has not been previously published as pathogenic or benign to our knowledge